The following is an entry in ClinVar:

NM_198271.5(LMOD3):c.464A>G (p.Asp155Gly)

Gene: LMOD3 (leiomodin 3; minus strand). Cytogenetic location: 3p14.1.
Variant type: single nucleotide variant.
Coding change: c.464A>G on transcript NM_198271.5 (MANE Select); coding-DNA position 464, A replaced by G.
Protein change: p.Asp155Gly; replaces aspartic acid 155 with glycine.
Molecular consequence: missense variant.
Genome position (GRCh38, 1-based): chr3:69,119,891, T>C on the plus strand (A>G on the coding strand, the complement: LMOD3 is on the minus strand). VCF-style: chr3-69119891-T-C. GRCh37 (hg19) VCF-style: chr3-69169042-T-C.
Other names: c.464A>G (NM_198271.3); c.464A>G, p.Asp155Gly (NM_001304418.3); short protein forms D155G.
Identifiers: ClinVar variation 948420 (VCV000948420.4), dbSNP rs2092399198, ClinGen allele CA353476552.

ClinVar aggregate classification (germline): Uncertain significance. Review status: criteria provided, multiple submitters, no conflicts (2 of 4 stars). 2 submissions from 2 submitters: Uncertain significance (2). Last evaluated 2025-12-16.

Conditions:
Nemaline myopathy 10 (NEM10). Identifiers: MedGen C4015360, MONDO:0014513, OMIM 616165.
Inborn genetic diseases. Identifiers: MedGen C0950123, MeSH D030342.

Allele frequency attached by ClinVar (database versions not stated): gnomAD exomes below 0.00001; gnomAD 0.00001.

Submissions (2):

Ambry Genetics
Classification: Uncertain significance for Inborn genetic diseases. Last evaluated: 2025-12-16. Review status: criteria provided, single submitter. Criteria: Ambry Variant Classification Scheme 2023. Collection method: clinical testing. Allele origin: germline.

Labcorp Genetics (formerly Invitae), Labcorp
Classification: Uncertain significance for Nemaline myopathy 10. Last evaluated: 2021-08-30. Review status: criteria provided, single submitter. Criteria: Invitae Variant Classification Sherloc (09022015). Collection method: clinical testing. Allele origin: germline.
Comment: This sequence change replaces aspartic acid with glycine at codon 155 of the LMOD3 protein (p.Asp155Gly). The aspartic acid residue is weakly conserved and there is a moderate physicochemical difference between aspartic acid and glycine. This variant is not present in population databases (ExAC no frequency). This variant has not been reported in the literature in individuals affected with LMOD3-related conditions. Algorithms developed to predict the effect of missense changes on protein structure and function output the following: SIFT: "Tolerated"; PolyPhen-2: "Benign"; Align-GVGD: "Class C15". The glycine amino acid residue is found in multiple mammalian species, which suggests that this missense change does not adversely affect protein function. Algorithms developed to predict the effect of sequence changes on RNA splicing suggest that this variant may create or strengthen a splice site. In summary, the available evidence is currently insufficient to determine the role of this variant in disease. Therefore, it has been classified as a Variant of Uncertain Significance.